The following is an entry in ClinVar:

ClinVar aggregate classification (germline): Likely benign. Review status: criteria provided, multiple submitters, no conflicts (2 of 4 stars). 5 submissions from 5 submitters: Likely benign (4). 1 of the submissions does not count toward it. Last evaluated 2024-07-29.

Conditions:
Hereditary cancer-predisposing syndrome. Also called: Hereditary Cancer Syndrome; Hereditary neoplastic syndrome; Neoplastic Syndromes, Hereditary; Tumor predisposition. Identifiers: Orphanet 140162, MedGen C0027672, MeSH D009386, MONDO:0015356.
BRCA2-related cancer predisposition. Identifiers: MedGen CN377758, MONDO:0700269.
Hereditary breast ovarian cancer syndrome. Also called: Hereditary breast and ovarian cancer syndrome (HBOC); Breast and ovarian cancer; BRCA1- and BRCA2-Associated Hereditary Breast and Ovarian Cancer; Hereditary breast and/or ovarian cancer syndrome; Hereditary breast and ovarian cancer; Hereditary breast and ovarian cancer syndrome. Identifiers: Orphanet 145, MedGen C0677776, MeSH D061325, MONDO:0003582. Disease mechanism: loss of function.
Malignant tumor of breast. Also called: Malignant breast neoplasm; Cancer breast. Identifiers: MedGen C0006142, MONDO:0007254. Disease mechanism: loss of function.

Allele frequency attached by ClinVar (database versions not stated): gnomAD 0.00001.
gnomAD v4.1: 2 of 1,609,996 alleles (0.00012%); highest among the groups gnomAD compares: African/African-American, 0.0027%; no homozygotes.

Submissions (5):

All of Us Research Program, National Institutes of Health
Classification: Likely benign for BRCA2-related cancer predisposition. Last evaluated: 2024-07-29. Review status: criteria provided, single submitter. Criteria: ACMG Guidelines, 2015. Collection method: clinical testing. Allele origin: germline. Inheritance: Autosomal dominant inheritance. Observed: 1 variant allele, 1 heterozygote.
Comment: This study involves interpretation of variants in research participants for the purpose of population health screening. Participant phenotype was not available at the time of variant classification. Additional details can be found in publication PMID: 35346344, PMCID: PMC8962531

Labcorp Genetics (formerly Invitae), Labcorp
Classification: Likely benign for Hereditary breast ovarian cancer syndrome. Last evaluated: 2022-06-28. Review status: criteria provided, single submitter. Criteria: Invitae Variant Classification Sherloc (09022015). Collection method: clinical testing. Allele origin: germline.

Women's Health and Genetics/Laboratory Corporation of America, LabCorp
Classification: Likely benign. Last evaluated: 2021-05-27. Review status: criteria provided, single submitter. Criteria: LabCorp Variant Classification Summary - May 2015. Collection method: clinical testing. Allele origin: germline.

Ambry Genetics
Classification: Likely benign for Hereditary cancer-predisposing syndrome. Last evaluated: 2020-09-21. Review status: criteria provided, single submitter. Criteria: Ambry Variant Classification Scheme 2023. Collection method: clinical testing. Allele origin: germline.

Department of Pathology and Laboratory Medicine, Sinai Health System
Classification: Likely benign for Malignant tumor of breast. Review status: no assertion criteria provided. Collection method: clinical testing. Allele origin: unknown. Affected: yes. Observed: 1 variant allele. Study: The Canadian Open Genetics Repository (COGR). Not counted in ClinVar's aggregate classification.
Comment: The BRCA2 p.Ile2194Ile variant was not identified in the literature nor was it identified in the dbSNP, HGMD, UMD, BIC, LOVD, and COSMIC databases. The variant is not expected to have clinical significance because it does not result in a change of amino acid and is not located in a known consensus splice site. In addition, the p.Ile2194 residue is not conserved through evolution, increasing the likelihood that this residue may not have an important functional role. In summary, based on the above information, the clinical significance of this variant cannot be determined with certainty at this time although we would lean towards a more benign role for this variant. This variant is classified as predicted benign.

NM_000059.4(BRCA2):c.6582T>C (p.Ile2194=)

Gene: BRCA2 (BRCA2 DNA repair associated; plus strand). Cytogenetic location: 13q13.1.
Variant type: single nucleotide variant.
Coding change: c.6582T>C on transcript NM_000059.4 (MANE Select); coding-DNA position 6582, T replaced by C.
Protein change: p.Ile2194=; no amino-acid change (isoleucine 2194 retained).
Molecular consequence: synonymous variant.
Genome position (GRCh38, 1-based): chr13:32,340,937, T>C. VCF-style: chr13-32340937-T-C. GRCh37 (hg19) VCF-style: chr13-32915074-T-C.
Identifiers: ClinVar variation 433808 (VCV000433808.12), dbSNP rs1178835711, ClinGen allele CA483439232.